The following is an entry in ClinVar:

NM_000051.4(ATM):c.7090-14G>A

Genes: ATM (ATM serine/threonine kinase; plus strand), C11orf65 (chromosome 11 open reading frame 65; minus strand). Cytogenetic location: 11q22.3.
Variant type: single nucleotide variant.
Coding change: c.7090-14G>A on transcript NM_000051.4 (MANE Select); 14 bases into the intron before coding-DNA position 7090, G replaced by A.
Molecular consequence: intron variant.
Genome position (GRCh38, 1-based): chr11:108,329,007, G>A. VCF-style: chr11-108329007-G-A. GRCh37 (hg19) VCF-style: chr11-108199734-G-A.
Other names: c.7090-14G>A (NM_001351834.2); c.641-19936C>T (NM_001330368.2); c.*38+6213C>T (NM_001351110.2).
Identifiers: ClinVar variation 511448 (VCV000511448.13), dbSNP rs1486032156, ClinGen allele CA658797766.

ClinVar aggregate classification (germline): Conflicting classifications of pathogenicity. Review status: criteria provided, conflicting classifications (1 of 4 stars). 4 submissions from 4 submitters: Uncertain significance (1); Likely benign (3). Last evaluated 2025-04-24.

Conditions:
Hereditary cancer-predisposing syndrome. Also called: Hereditary Cancer Syndrome; Neoplastic Syndromes, Hereditary; Tumor predisposition; Hereditary neoplastic syndrome. Identifiers: Orphanet 140162, MedGen C0027672, MeSH D009386, MONDO:0015356.
Familial cancer of breast. Also called: BREAST CANCER, FAMILIAL; Hereditary breast cancer; hereditary breast carcinoma. Identifiers: Orphanet 227535, MedGen C0346153, MONDO:0016419, OMIM 114480. Disease mechanism: loss of function.
Ataxia-telangiectasia syndrome (AT). Also called: Cerebello-oculocutaneous telangiectasia; Immunodeficiency with ataxia telangiectasia; Ataxia-telangiectasia, complementation group E; Ataxia-telangiectasia, complementation group D; AT, COMPLEMENTATION GROUP C; ATAXIA-TELANGIECTASIA, COMPLEMENTATION GROUP A. Identifiers: Orphanet 100, MedGen C0004135, MONDO:0008840, OMIM 208900.

Allele frequency attached by ClinVar (database versions not stated): gnomAD exomes below 0.00001.
gnomAD v4.1: 3 of 1,605,780 alleles (0.00019%); highest among the groups gnomAD compares: Non-Finnish European, 0.00017%; no homozygotes.

Submissions (4):

Labcorp Genetics (formerly Invitae), Labcorp
Classification: Likely benign for Ataxia-telangiectasia syndrome. Last evaluated: 2025-04-24. Review status: criteria provided, single submitter. Criteria: Invitae Variant Classification Sherloc (09022015). Collection method: clinical testing. Allele origin: germline.

Myriad Genetics, Inc.
Classification: Likely benign for Familial cancer of breast. Last evaluated: 2024-06-13. Review status: criteria provided, single submitter. Criteria: Myriad Autosomal Dominant, Autosomal Recessive and X-Linked Classification Criteria (2023). Collection method: clinical testing. Allele origin: unknown.
Comment: This variant is considered likely benign. This variant is intronic and is not expected to impact mRNA splicing.

Color Diagnostics, LLC DBA Color Health
Classification: Uncertain significance for Hereditary cancer-predisposing syndrome. Last evaluated: 2019-07-23. Review status: criteria provided, single submitter. Criteria: ACMG Guidelines, 2015. Collection method: clinical testing. Allele origin: germline.
Comment: This variant causes a G>A nucleotide substitution at the -14 position of intron 48 of the ATM RNA. To our knowledge, functional assays have not been performed for this variant nor has this variant been reported in individuals affected with hereditary cancer in the literature. This variant has not been identified in the general population by the Genome Aggregation Database (gnomAD). Available evidence is insufficient to determine the role of this variant in disease conclusively. Therefore, this variant is classified as a Variant of Uncertain Significance.

GeneDx
Classification: Likely benign. Last evaluated: 2017-08-11. Review status: criteria provided, single submitter. Criteria: GeneDx Variant Classification (06012015). Collection method: clinical testing. Allele origin: germline. Affected: yes.
Comment: This variant is considered likely benign or benign based on one or more of the following criteria: it is a conservative change, it occurs at a poorly conserved position in the protein, it is predicted to be benign by multiple in silico algorithms, and/or has population frequency not consistent with disease.